The following is an entry in ClinVar:

NM_003114.5(SPAG1):c.2479C>T (p.His827Tyr)

Gene: SPAG1 (sperm associated antigen 1; plus strand). Cytogenetic location: 8q22.2.
Variant type: single nucleotide variant.
Coding change: c.2479C>T on transcript NM_003114.5 (MANE Select); coding-DNA position 2479, C replaced by T.
Protein change: p.His827Tyr; replaces histidine 827 with tyrosine.
Molecular consequence: missense variant.
Genome position (GRCh38, 1-based): chr8:100,240,601, C>T. VCF-style: chr8-100240601-C-T. GRCh37 (hg19) VCF-style: chr8-101252829-C-T.
Other names: p.His827Tyr; c.2479C>T, p.His827Tyr (NM_001374321.1, NM_172218.3); short protein forms H827Y.
Identifiers: ClinVar variation 474658 (VCV000474658.18), dbSNP rs6510, ClinGen allele CA4827758.

ClinVar aggregate classification (germline): Likely benign. Review status: criteria provided, multiple submitters, no conflicts (2 of 4 stars). 5 submissions from 5 submitters: Likely benign (4). 1 of the submissions does not count toward it. Last evaluated 2026-01-23.

Conditions:
SPAG1-related disorder. Also called: SPAG1-related condition.
Primary ciliary dyskinesia 28. Also called: CILIARY DYSKINESIA, PRIMARY, 28, WITH OR WITHOUT SITUS INVERSUS. Identifiers: Orphanet 244, MedGen C3809706, MONDO:0014216, OMIM 615505.
Primary ciliary dyskinesia. Also called: Ciliary dyskinesia. Identifiers: Orphanet 244, MedGen C0008780, MONDO:0016575, HP:0012265.

Allele frequency attached by ClinVar (database versions not stated): gnomAD exomes 0.00018 and 0.00056; ExAC 0.00069; gnomAD 0.00186 and 0.00200; ESP Exome Variant Server 0.00192; TOPMed 0.00224; 1000 Genomes Project 30x 0.00328; 1000 Genomes Project 0.00339.
gnomAD v4.1: 569 of 1,614,106 alleles (0.035%); highest among the groups gnomAD compares: African/African-American, 0.6%; 3 homozygotes.

Submissions (5):

Labcorp Genetics (formerly Invitae), Labcorp
Classification: Likely benign for Primary ciliary dyskinesia 28. Last evaluated: 2026-01-23. Review status: criteria provided, single submitter. Criteria: Invitae Variant Classification Sherloc (09022015). Collection method: clinical testing. Allele origin: germline.

Mayo Clinic Laboratories, Mayo Clinic
Classification: Likely benign. Last evaluated: 2025-10-18. Review status: criteria provided, single submitter. Criteria: ACMG Guidelines, 2015. Collection method: clinical testing. Allele origin: germline. Observed: 1 variant allele.
Comment: BS1, BP4

Blueprint Genetics
Classification: Likely benign. Last evaluated: 2023-10-27. Review status: criteria provided, single submitter. Criteria: ACMG Guidelines, 2015. Collection method: clinical testing. Allele origin: germline.

Ambry Genetics
Classification: Likely benign for Primary ciliary dyskinesia. Last evaluated: 2018-07-05. Review status: criteria provided, single submitter. Criteria: Ambry Variant Classification Scheme 2023. Collection method: clinical testing. Allele origin: germline.

PreventionGenetics, part of Exact Sciences
Classification: Likely benign for SPAG1-related condition. Last evaluated: 2019-05-22. Review status: no assertion criteria provided. Collection method: clinical testing. Allele origin: germline. Not counted in ClinVar's aggregate classification.
Comment: This variant is classified as likely benign based on ACMG/AMP sequence variant interpretation guidelines (Richards et al. 2015 PMID: 25741868, with internal and published modifications).